The following is an entry in ClinVar:

NM_001127464.1:c.9740C>T

Gene: ZNF469 (zinc finger protein 469; plus strand).
Variant type: single nucleotide variant.
Identifiers: ClinVar variation 4826333 (VCV004826333.1).

ClinVar aggregate classification (germline): Uncertain significance (1 of 4 stars; one submission).

Conditions:
Cardiovascular phenotype. Identifiers: MedGen CN230736.

Submission:

Ambry Genetics
Classification: Uncertain significance for Cardiovascular phenotype. Last evaluated: 2026-03-12. Review status: criteria provided, single submitter. Criteria: Ambry Variant Classification Scheme 2023. Collection method: clinical testing. Allele origin: germline.
Comment: The p.A3247V variant (also known as c.9740C>T), located in coding exon 2 of the ZNF469 gene, results from a C to T substitution at nucleotide position 9740. The alanine at codon 3247 is replaced by valine, an amino acid with similar properties. This amino acid position is conserved. In addition, this alteration is predicted to be tolerated by in silico analysis. Based on the available evidence, the clinical significance of this variant remains unclear.